The following is an entry in ClinVar:

NM_000059.4(BRCA2):c.5491A>G (p.Ile1831Val)

Gene: BRCA2 (BRCA2 DNA repair associated; plus strand). Cytogenetic location: 13q13.1.
Variant type: single nucleotide variant.
Coding change: c.5491A>G on transcript NM_000059.4 (MANE Select); coding-DNA position 5491, A replaced by G.
Protein change: p.Ile1831Val; replaces isoleucine 1831 with valine.
Molecular consequence: missense variant.
Genome position (GRCh38, 1-based): chr13:32,339,846, A>G. VCF-style: chr13-32339846-A-G. GRCh37 (hg19) VCF-style: chr13-32913983-A-G.
Other names: short protein forms I1831V.
Identifiers: ClinVar variation 801112 (VCV000801112.12), dbSNP rs1593905631, ClinGen allele CA387785762.

ClinVar aggregate classification (germline): Conflicting classifications of pathogenicity. Review status: criteria provided, conflicting classifications (1 of 4 stars). 4 submissions from 4 submitters: Uncertain significance (3); Likely benign (1). Last evaluated 2023-12-08.

Conditions:
Hereditary breast ovarian cancer syndrome. Also called: BRCA1- and BRCA2-Associated Hereditary Breast and Ovarian Cancer; Hereditary breast and ovarian cancer syndrome; Hereditary breast and/or ovarian cancer syndrome; Hereditary breast and ovarian cancer; Hereditary breast and ovarian cancer syndrome (HBOC); Breast and ovarian cancer. Identifiers: Orphanet 145, MedGen C0677776, MeSH D061325, MONDO:0003582. Disease mechanism: loss of function.
Hereditary cancer-predisposing syndrome. Also called: Tumor predisposition; Neoplastic Syndromes, Hereditary; Hereditary Cancer Syndrome; Hereditary neoplastic syndrome. Identifiers: Orphanet 140162, MedGen C0027672, MeSH D009386, MONDO:0015356.

Allele frequency attached by ClinVar (database versions not stated): gnomAD exomes below 0.00001.
gnomAD v4.1: 1 of 1,613,892 alleles (0.000062%); highest among the groups gnomAD compares: South Asian, 0.0011%; no homozygotes.

Submissions (4):

Labcorp Genetics (formerly Invitae), Labcorp
Classification: Uncertain significance for Hereditary breast ovarian cancer syndrome. Last evaluated: 2023-12-08. Review status: criteria provided, single submitter. Criteria: Invitae Variant Classification Sherloc (09022015). Collection method: clinical testing. Allele origin: germline.
Comment: This sequence change replaces isoleucine, which is neutral and non-polar, with valine, which is neutral and non-polar, at codon 1831 of the BRCA2 protein (p.Ile1831Val). This variant is not present in population databases (gnomAD no frequency). This variant has not been reported in the literature in individuals affected with BRCA2-related conditions. ClinVar contains an entry for this variant (Variation ID: 801112). Advanced modeling of protein sequence and biophysical properties (such as structural, functional, and spatial information, amino acid conservation, physicochemical variation, residue mobility, and thermodynamic stability) performed at Invitae indicates that this missense variant is not expected to disrupt BRCA2 protein function with a negative predictive value of 95%. In summary, the available evidence is currently insufficient to determine the role of this variant in disease. Therefore, it has been classified as a Variant of Uncertain Significance.

Ambry Genetics
Classification: Uncertain significance for Hereditary cancer-predisposing syndrome. Last evaluated: 2023-10-01. Review status: criteria provided, single submitter. Criteria: Ambry Variant Classification Scheme 2023. Collection method: clinical testing. Allele origin: germline.
Comment: The p.I1831V variant (also known as c.5491A>G), located in coding exon 10 of the BRCA2 gene, results from an A to G substitution at nucleotide position 5491. The isoleucine at codon 1831 is replaced by valine, an amino acid with highly similar properties. This amino acid position is conserved. In addition, this alteration is predicted to be tolerated by in silico analysis. Since supporting evidence is limited at this time, the clinical significance of this alteration remains unclear.

University of Washington Department of Laboratory Medicine, University of Washington
Classification: Likely benign for Hereditary cancer-predisposing syndrome. Last evaluated: 2023-03-23. Review status: criteria provided, single submitter. Criteria: Dines et al. (Genet Med. 2020). Collection method: curation. Allele origin: germline.
Comment: Missense variant in a coldspot region where missense variants are very unlikely to be pathogenic (PMID:31911673).

BRCA2 exon 11 coldspot. Reclassification based on statistical prior probability.

Quest Diagnostics Nichols Institute San Juan Capistrano
Classification: Uncertain significance. Last evaluated: 2019-07-15. Review status: criteria provided, single submitter. Criteria: Quest Diagnostics criteria. Collection method: clinical testing. Allele origin: germline.